The following is an entry in ClinVar:

ClinVar aggregate classification (germline): Uncertain significance (1 of 4 stars; one submission).

Conditions:
Deficiency of 2-methylbutyryl-CoA dehydrogenase (ACADSB). Also called: 2-methylbutyrylglycinuria; 2-methylbutyryl-CoA dehydrogenase deficiency; SBCAD deficiency; 2-methylbutyric aciduria; Short branched-chain acyl-CoA dehydrogenase deficiency. Identifiers: Orphanet 79157, MedGen C1864912, MONDO:0012392, OMIM 610006, HP:0020147.

Allele frequency attached by ClinVar (database versions not stated): gnomAD exomes below 0.00001.
gnomAD v4.1: 2 of 1,614,092 alleles (0.00012%); highest among the groups gnomAD compares: Non-Finnish European, 0.00017%; no homozygotes.

Submission:

Labcorp Genetics (formerly Invitae), Labcorp
Classification: Uncertain significance for Deficiency of 2-methylbutyryl-CoA dehydrogenase. Last evaluated: 2023-06-20. Review status: criteria provided, single submitter. Criteria: Invitae Variant Classification Sherloc (09022015). Collection method: clinical testing. Allele origin: germline.
Comment: In summary, the available evidence is currently insufficient to determine the role of this variant in disease. Therefore, it has been classified as a Variant of Uncertain Significance. Advanced modeling of protein sequence and biophysical properties (such as structural, functional, and spatial information, amino acid conservation, physicochemical variation, residue mobility, and thermodynamic stability) performed at Invitae indicates that this missense variant is expected to disrupt ACADSB protein function. This variant has not been reported in the literature in individuals affected with ACADSB-related conditions. This variant is not present in population databases (gnomAD no frequency). This sequence change replaces isoleucine, which is neutral and non-polar, with phenylalanine, which is neutral and non-polar, at codon 419 of the ACADSB protein (p.Ile419Phe).

NM_001609.4(ACADSB):c.1255A>T (p.Ile419Phe)

Gene: ACADSB (acyl-CoA dehydrogenase short/branched chain; plus strand). Cytogenetic location: 10q26.13.
Variant type: single nucleotide variant.
Coding change: c.1255A>T on transcript NM_001609.4 (MANE Select); coding-DNA position 1255, A replaced by T.
Protein change: p.Ile419Phe; replaces isoleucine 419 with phenylalanine.
Molecular consequence: missense variant.
Genome position (GRCh38, 1-based): chr10:123,053,721, A>T. VCF-style: chr10-123053721-A-T. GRCh37 (hg19) VCF-style: chr10-124813237-A-T.
Other names: c.949A>T, p.Ile317Phe (NM_001330174.3); short protein forms I419F, I317F.
Identifiers: ClinVar variation 2868173 (VCV002868173.3), dbSNP rs1191261547, ClinGen allele CA378622901.